The following is an entry in ClinVar:

ClinVar aggregate classification (germline): Pathogenic/Likely pathogenic. Review status: criteria provided, multiple submitters, no conflicts (2 of 4 stars). 3 submissions from 3 submitters: Pathogenic (1); Likely pathogenic (2). Last evaluated 2025-02-14.

Conditions:
Isolated thoracic aortic aneurysm.
Marfan syndrome (MFS). Also called: FBN1-Related Marfan Syndrome; Marfan syndrome type 1; Marfan's syndrome; Marfan syndrome, classic; MARFAN SYNDROME, TYPE I. Identifiers: Orphanet 284963, Orphanet 558, MedGen C0024796, MONDO:0007947, OMIM 154700.
Familial thoracic aortic aneurysm and aortic dissection (TAAD). Also called: Thoracic aortic aneurysms and dissections. Identifiers: Orphanet 91387, MedGen C4707243, MONDO:0019625.

Submissions (3):

Clinical Genetics and Genomics, Karolinska University Hospital
Classification: Likely pathogenic for Marfan syndrome. Last evaluated: 2025-02-14. Review status: criteria provided, single submitter. Criteria: ACMG Guidelines, 2015. Collection method: clinical testing. Allele origin: germline. Inheritance: Autosomal dominant inheritance. Affected: yes.

Labcorp Genetics (formerly Invitae), Labcorp
Classification: Pathogenic for Marfan syndrome; Familial thoracic aortic aneurysm and aortic dissection. Last evaluated: 2022-09-25. Review status: criteria provided, single submitter. Criteria: Invitae Variant Classification Sherloc (09022015). Collection method: clinical testing. Allele origin: germline.
Comment: This variant affects a cysteine residue in the EGF-like, TGFBP or hybrid motif domains of FBN1. Cysteine residues are believed to be involved in intramolecular disulfide bridges and have been shown to be important for FBN1 protein structure (PMID: 16905551, 19349279). In addition, missense substitutions affecting cysteine residues within these domains are significantly overrepresented among patients with Marfan syndrome (PMID: 16571647, 17701892). This sequence change replaces cysteine, which is neutral and slightly polar, with tyrosine, which is neutral and polar, at codon 177 of the FBN1 protein (p.Cys177Tyr). This variant is not present in population databases (gnomAD no frequency). This missense change has been observed in individuals with clinical features of Marfan syndrome (PMID: 18435798; Invitae). ClinVar contains an entry for this variant (Variation ID: 574053). Advanced modeling of protein sequence and biophysical properties (such as structural, functional, and spatial information, amino acid conservation, physicochemical variation, residue mobility, and thermodynamic stability) performed at Invitae indicates that this missense variant is expected to disrupt FBN1 protein function. For these reasons, this variant has been classified as Pathogenic.

Department of Vascular Biology, Beijing Anzhen Hospital
Classification: Likely pathogenic for Isolated thoracic aortic aneurysm. Last evaluated: 2018-09-01. Review status: criteria provided, single submitter. Criteria: ACMG Guidelines, 2015. Collection method: research. Allele origin: germline. Affected: yes.

Literature cited by the submitters: PubMed 16905551 (cited by Labcorp Genetics (formerly Invitae), Labcorp); PubMed 19349279 (cited by Labcorp Genetics (formerly Invitae), Labcorp); PubMed 16571647 (cited by Labcorp Genetics (formerly Invitae), Labcorp); PubMed 17701892 (cited by Labcorp Genetics (formerly Invitae), Labcorp); PubMed 18435798 (cited by Labcorp Genetics (formerly Invitae), Labcorp).

NM_000138.5(FBN1):c.530G>A (p.Cys177Tyr)

Gene: FBN1 (fibrillin 1; minus strand). Cytogenetic location: 15q21.1.
Variant type: single nucleotide variant.
Coding change: c.530G>A on transcript NM_000138.5 (MANE Select); coding-DNA position 530, G replaced by A.
Protein change: p.Cys177Tyr; replaces cysteine 177 with tyrosine.
Molecular consequence: missense variant.
Genome position (GRCh38, 1-based): chr15:48,596,291, C>T on the plus strand (G>A on the coding strand, the complement: FBN1 is on the minus strand). VCF-style: chr15-48596291-C-T. GRCh37 (hg19) VCF-style: chr15-48888488-C-T.
Other names: short protein forms C177Y.
Identifiers: ClinVar variation 574053 (VCV000574053.12), dbSNP rs113695103, ClinGen allele CA392446239.